The following is an entry in ClinVar:

ClinVar aggregate classification (germline): Uncertain significance. Review status: criteria provided, multiple submitters, no conflicts (2 of 4 stars). 2 submissions from 2 submitters: Uncertain significance (2). Last evaluated 2026-01-25.

Conditions:
Catecholaminergic polymorphic ventricular tachycardia 1. Also called: VENTRICULAR TACHYCARDIA, STRESS-INDUCED POLYMORPHIC 1; VENTRICULAR TACHYCARDIA, CATECHOLAMINERGIC POLYMORPHIC, 1, WITH OR WITHOUT ATRIAL DYSFUNCTION AND/OR DILATED CARDIOMYOPATHY; RYR2-Related Catecholaminergic Polymorphic Ventricular Tachycardia. Identifiers: Orphanet 3286, MedGen C1631597, MONDO:0011484, OMIM 604772.
Cardiovascular phenotype. Identifiers: MedGen CN230736.

gnomAD v4.1: 3 of 1,613,980 alleles (0.00019%); highest among the groups gnomAD compares: Admixed American, 0.005%; no homozygotes.

Submissions (2):

Labcorp Genetics (formerly Invitae), Labcorp
Classification: Uncertain significance for Catecholaminergic polymorphic ventricular tachycardia 1. Last evaluated: 2026-01-25. Review status: criteria provided, single submitter. Criteria: Invitae Variant Classification Sherloc (09022015). Collection method: clinical testing. Allele origin: germline.
Comment: This sequence change replaces valine, which is neutral and non-polar, with phenylalanine, which is neutral and non-polar, at codon 1161 of the RYR2 protein (p.Val1161Phe). This variant is present in population databases (rs372761438, gnomAD 0.006%). This variant has not been reported in the literature in individuals affected with RYR2-related conditions. ClinVar contains an entry for this variant (Variation ID: 2905198). Invitae Evidence Modeling of protein sequence and biophysical properties (such as structural, functional, and spatial information, amino acid conservation, physicochemical variation, residue mobility, and thermodynamic stability) indicates that this missense variant is not expected to disrupt RYR2 protein function with a negative predictive value of 95%. In summary, the available evidence is currently insufficient to determine the role of this variant in disease. Therefore, it has been classified as a Variant of Uncertain Significance.

Ambry Genetics
Classification: Uncertain significance for Cardiovascular phenotype. Last evaluated: 2025-01-30. Review status: criteria provided, single submitter. Criteria: Ambry Variant Classification Scheme 2023. Collection method: clinical testing. Allele origin: germline.
Comment: The p.V1161F variant (also known as c.3481G>T), located in coding exon 29 of the RYR2 gene, results from a G to T substitution at nucleotide position 3481. The valine at codon 1161 is replaced by phenylalanine, an amino acid with highly similar properties. This amino acid position is highly conserved in available vertebrate species. In addition, this alteration is predicted to be deleterious by in silico analysis. Based on the available evidence, the clinical significance of this variant remains unclear.

NM_001035.3(RYR2):c.3481G>T (p.Val1161Phe)

Gene: RYR2 (ryanodine receptor 2; plus strand). Cytogenetic location: 1q43.
Variant type: single nucleotide variant.
Coding change: c.3481G>T on transcript NM_001035.3 (MANE Select); coding-DNA position 3481, G replaced by T.
Protein change: p.Val1161Phe; replaces valine 1161 with phenylalanine.
Molecular consequence: missense variant.
Genome position (GRCh38, 1-based): chr1:237,569,202, G>T. VCF-style: chr1-237569202-G-T. GRCh37 (hg19) VCF-style: chr1-237732502-G-T.
Other names: c.3481G>T (NM_001035.2); short protein forms V1161F.
Identifiers: ClinVar variation 2905198 (VCV002905198.4), dbSNP rs372761438, ClinGen allele CA086394.